The following is an entry in ClinVar:

ClinVar aggregate classification (germline): Pathogenic. Review status: criteria provided, multiple submitters, no conflicts (2 of 4 stars). 5 submissions from 5 submitters: Pathogenic (5). Last evaluated 2025-10-29.

Conditions:
Neurofibromatosis, type 1 (NF1). Also called: NEUROFIBROMATOSIS, TYPE I, SOMATIC; Peripheral type neurofibromatosis; Neurofibromatosis, type I; VON RECKLINGHAUSEN DISEASE. Identifiers: Orphanet 636, MedGen C0027831, MONDO:0018975, OMIM 162200. Disease mechanism: loss of function.

Allele frequency attached by ClinVar (database versions not stated): gnomAD exomes below 0.00001; ExAC 0.00001.

Submissions (5):

Labcorp Genetics (formerly Invitae), Labcorp
Classification: Pathogenic for Neurofibromatosis, type 1. Last evaluated: 2025-10-29. Review status: criteria provided, single submitter. Criteria: Invitae Variant Classification Sherloc (09022015). Collection method: clinical testing. Allele origin: germline.
Comment: This sequence change creates a premature translational stop signal (p.Thr467Asnfs*3) in the NF1 gene. It is expected to result in an absent or disrupted protein product. Loss-of-function variants in NF1 are known to be pathogenic (PMID: 10712197, 23913538). This variant is present in population databases (rs778963145, gnomAD 0.003%). This premature translational stop signal has been observed in individual(s) with neurofibromatosis type 1 (PMID: 12807981, 31201679, 31370276). Invitae Evidence Modeling of clinical and family history, age, sex, and reported ancestry of multiple individuals with this NF1 variant has been performed. This variant is expected to be pathogenic with a positive predictive value of at least 99%. This is a validated machine learning model that incorporates the clinical features of 1,785,918 individuals referred to our laboratory for NF1 testing. ClinVar contains an entry for this variant (Variation ID: 817038). For these reasons, this variant has been classified as Pathogenic.

GeneDx
Classification: Pathogenic. Last evaluated: 2025-04-03. Review status: criteria provided, single submitter. Criteria: GeneDx Variant Classification Process June 2021. Collection method: clinical testing. Allele origin: germline. Affected: yes.
Comment: Frameshift variant predicted to result in protein truncation or nonsense mediated decay in a gene for which loss of function is a known mechanism of disease; Not observed at significant frequency in large population cohorts (gnomAD); This variant is associated with the following publications: (PMID: 12807981, 31370276, 31201679, 18546366, 29922827, 31776437)

Molecular Pathology, Peter Maccallum Cancer Centre
Classification: Pathogenic for Neurofibromatosis, type 1. Last evaluated: 2024-10-02. Review status: criteria provided, single submitter. Criteria: ACMG Guidelines, 2015. Collection method: clinical testing. Allele origin: germline. Inheritance: Autosomal dominant inheritance.

Genome-Nilou Lab
Classification: Pathogenic for Neurofibromatosis, type 1. Last evaluated: 2022-03-15. Review status: criteria provided, single submitter. Criteria: ACMG Guidelines, 2015. Collection method: clinical testing. Allele origin: germline. Affected: no.

Juno Genomics, Hangzhou Juno Genomics, Inc
Classification: Pathogenic for Neurofibromatosis, type 1. Review status: criteria provided, single submitter. Criteria: ACMG Guidelines, 2015. Collection method: clinical testing. Allele origin: germline. Affected: yes.
Comment: Absent from controls (or at extremely low frequency if recessive) in Genome Aggregation Database.;Null variant in a gene where loss of function (LOF) is a known mechanism of disease.;The prevalence of the variant in affected individuals is significantly increased compared to the prevalence in controls.;Patient's phenotype or family history is highly specific for a disease with a single genetic etiology.

Literature cited by the submitters: PubMed 10712197 (cited by Labcorp Genetics (formerly Invitae), Labcorp); PubMed 23913538 (cited by Labcorp Genetics (formerly Invitae), Labcorp); PubMed 12807981 (cited by Labcorp Genetics (formerly Invitae), Labcorp); PubMed 31201679 (cited by Labcorp Genetics (formerly Invitae), Labcorp); PubMed 31370276 (cited by Labcorp Genetics (formerly Invitae), Labcorp).

NM_001042492.3(NF1):c.1399dup (p.Thr467fs)

Gene: NF1 (neurofibromin 1; plus strand). Cytogenetic location: 17q11.2.
Variant type: Duplication.
Coding change: c.1399dup on transcript NM_001042492.3 (MANE Select); coding-DNA position 1399, one base duplicated (A; older notation c.1399dupA).
Protein change: p.Thr467fs; shifts the reading frame from threonine 467.
Molecular consequence: frameshift variant.
Genome position (GRCh38, 1-based): chr17:31,214,457, A duplicated. VCF-style (leftmost placement, unchanged base first): chr17-31214456-T-TA. GRCh37 (hg19) VCF-style: chr17-29541474-T-TA.
Other names: c.1399dupA (NM_000267.3, NM_001042492.2); c.1399dup, p.Thr467Asnfs (NM_000267.4); c.1399dup, p.Thr467fs (NM_001128147.3); short protein forms T467fs.
Identifiers: ClinVar variation 817038 (VCV000817038.12), dbSNP rs778963145, ClinGen allele CA8485785.